The following is an entry in ClinVar:

NM_001378454.1(ALMS1):c.3011C>G (p.Ser1004Ter)

Gene: ALMS1 (ALMS1 centrosome and basal body associated protein; plus strand). Cytogenetic location: 2p13.1.
Variant type: single nucleotide variant.
Coding change: c.3011C>G on transcript NM_001378454.1 (MANE Select); coding-DNA position 3011, C replaced by G.
Protein change: p.Ser1004Ter; replaces serine 1004 with a stop codon.
Molecular consequence: nonsense.
Genome position (GRCh38, 1-based): chr2:73,449,538, C>G. VCF-style: chr2-73449538-C-G. GRCh37 (hg19) VCF-style: chr2-73676665-C-G.
Other names: c.3014C>G, p.Ser1005Ter (NM_015120.4); short protein forms S1005*, S1004*.
Identifiers: ClinVar variation 861254 (VCV000861254.11), dbSNP rs1359874667, ClinGen allele CA347273427.

ClinVar aggregate classification (germline): Pathogenic. Review status: criteria provided, multiple submitters, no conflicts (2 of 4 stars). 2 submissions from 2 submitters: Pathogenic (2). Last evaluated 2021-07-22.

Conditions:
Alstrom syndrome (ALMS). Identifiers: Orphanet 64, MedGen C0268425, MONDO:0008763, OMIM 203800.

Submissions (2):

Genome-Nilou Lab
Classification: Pathogenic for Alstrom syndrome. Last evaluated: 2021-07-22. Review status: criteria provided, single submitter. Criteria: ACMG Guidelines, 2015. Collection method: clinical testing. Allele origin: germline. Affected: no.

Labcorp Genetics (formerly Invitae), Labcorp
Classification: Pathogenic for Alstrom syndrome. Last evaluated: 2019-12-22. Review status: criteria provided, single submitter. Criteria: Invitae Variant Classification Sherloc (09022015). Collection method: clinical testing. Allele origin: germline.
Comment: For these reasons, this variant has been classified as Pathogenic. Loss-of-function variants in ALMS1 are known to be pathogenic (PMID: 17594715). This variant has not been reported in the literature in individuals with ALMS1-related conditions. This variant is not present in population databases (ExAC no frequency). This sequence change creates a premature translational stop signal (p.Ser1005*) in the ALMS1 gene. It is expected to result in an absent or disrupted protein product.

Literature cited by the submitters: PubMed 17594715 (cited by Labcorp Genetics (formerly Invitae), Labcorp).